The following is an entry in ClinVar:

NM_006502.3(POLH):c.1078dup (p.Asp360fs)

Gene: POLH (DNA polymerase eta; plus strand). Cytogenetic location: 6p21.1.
Variant type: Duplication.
Coding change: c.1078dup on transcript NM_006502.3 (MANE Select); coding-DNA position 1078, one base duplicated (G; older notation c.1078dupG).
Protein change: p.Asp360fs; shifts the reading frame from aspartic acid 360.
Molecular consequence: frameshift variant.
Genome position (GRCh38, 1-based): chr6:43,610,557, G duplicated. VCF-style (leftmost placement, unchanged base first): chr6-43610556-T-TG. GRCh37 (hg19) VCF-style: chr6-43578293-T-TG.
Other names: c.706dup, p.Asp236fs (NM_001291969.2); c.1078dup, p.Asp360fs (NM_001291970.2); short protein forms D236fs, D360fs.
Identifiers: ClinVar variation 1696282 (VCV001696282.4), dbSNP rs1277794845, ClinGen allele CA450284727.
Genomic context (GRCh38, chr6:43,610,556, plus strand): 5'-CTAGAATTCAGATGCTCCTCATAACTTTATTTCTGGTCTCCATCCTTTCCACCCACAGAA[T>TG]GACAGGGTAGCCACCCAGCTGGTTGTGAGCATTCGTGTACAAGGAGACAAACGCCTCAGC-3'

ClinVar aggregate classification (germline): Pathogenic. Review status: criteria provided, multiple submitters, no conflicts (2 of 4 stars). 2 submissions from 2 submitters: Pathogenic (2). Last evaluated 2023-02-05.

Conditions:
Xeroderma pigmentosum (XP). Identifiers: Orphanet 910, MedGen C0043346, MONDO:0019600.

Allele frequency attached by ClinVar (database versions not stated): gnomAD exomes 0.00001; gnomAD 0.00003; TOPMed 0.00001.

Submissions (2):

Labcorp Genetics (formerly Invitae), Labcorp
Classification: Pathogenic. Last evaluated: 2023-02-05. Review status: criteria provided, single submitter. Criteria: Invitae Variant Classification Sherloc (09022015). Collection method: clinical testing. Allele origin: germline.
Comment: For these reasons, this variant has been classified as Pathogenic. ClinVar contains an entry for this variant (Variation ID: 1696282). This variant is also known as +1 G at +1078. This premature translational stop signal has been observed in individual(s) with POLH-related conditions (PMID: 10398605, 31980526). This variant is present in population databases (no rsID available, gnomAD 0.01%). This sequence change creates a premature translational stop signal (p.Asp360Glyfs*32) in the POLH gene. It is expected to result in an absent or disrupted protein product. Loss-of-function variants in POLH are known to be pathogenic (PMID: 11773631, 24130121, 25256075).

Women's Health and Genetics/Laboratory Corporation of America, LabCorp
Classification: Pathogenic for Xeroderma pigmentosum. Last evaluated: 2022-05-11. Review status: criteria provided, single submitter. Criteria: LabCorp Variant Classification Summary - May 2015. Collection method: clinical testing. Allele origin: germline.
Comment: Variant summary: POLH c.1078dupG (p.Asp360GlyfsX32) results in a premature termination codon, predicted to cause a truncation of the encoded protein or absence of the protein due to nonsense mediated decay, which are commonly known mechanisms for disease. Truncations downstream of this position have been classified as pathogenic in other databases (ClinVar, HGMD). The variant was absent in 251292 control chromosomes. c.1078dupG has been reported in the literature in individuals affected with Xeroderma Pigmentosum. These data indicate that the variant is likely to be associated with disease. To our knowledge, no experimental evidence demonstrating an impact on protein function has been reported. No clinical diagnostic laboratories have submitted clinical-significance assessments for this variant to ClinVar after 2014. Based on the evidence outlined above, the variant was classified as pathogenic.

Literature cited by the submitters: PubMed 10398605 (cited by Labcorp Genetics (formerly Invitae), Labcorp and Women's Health and Genetics/Laboratory Corporation of America, LabCorp); PubMed 31980526 (cited by Labcorp Genetics (formerly Invitae), Labcorp); PubMed 11773631 (cited by Labcorp Genetics (formerly Invitae), Labcorp); PubMed 24130121 (cited by Labcorp Genetics (formerly Invitae), Labcorp); PubMed 25256075 (cited by Labcorp Genetics (formerly Invitae), Labcorp); PubMed 18368133 (cited by Women's Health and Genetics/Laboratory Corporation of America, LabCorp).